The following is an entry in ClinVar:

NM_014159.7(SETD2):c.3860A>C (p.Gln1287Pro)

Gene: SETD2 (SET domain containing 2, histone lysine methyltransferase; minus strand). Cytogenetic location: 3p21.31.
Variant type: single nucleotide variant.
Coding change: c.3860A>C on transcript NM_014159.7 (MANE Select); coding-DNA position 3860, A replaced by C.
Protein change: p.Gln1287Pro; replaces glutamine 1287 with proline.
Molecular consequence: missense variant. On other transcripts: non-coding transcript variant (1).
Genome position (GRCh38, 1-based): chr3:47,120,776, T>G on the plus strand (A>C on the coding strand, the complement: SETD2 is on the minus strand). VCF-style: chr3-47120776-T-G. GRCh37 (hg19) VCF-style: chr3-47162266-T-G.
Other names: c.3728A>C, p.Gln1243Pro (NM_001349370.3); short protein forms Q1287P, Q1243P.
Identifiers: ClinVar variation 521605 (VCV000521605.12), dbSNP rs1553700083, ClinGen allele CA352520899.
Genomic context (GRCh38, chr3:47,120,776, plus strand): 5'-TCCCAGTAACCATTGCCTTGCCAGTAATCACGTGTCCCACCATACTGTTCTGCATTTTGC[T>G]GATACTTGTGTCCACCACAAGCTCCATAGCTACTGTCAGGTTGCTGATACGTGGTAGAAG-3'
Protein context (NP_054878.5, residues 1277-1297): SYGACGGHKY[Gln1287Pro]QNAEQYGGTR

ClinVar aggregate classification (germline): Uncertain significance. Review status: criteria provided, multiple submitters, no conflicts (2 of 4 stars). 3 submissions from 3 submitters: Uncertain significance (3). Last evaluated 2026-03-25.

Conditions:
Inborn genetic diseases. Identifiers: MedGen C0950123, MeSH D030342.
Luscan-Lumish syndrome. Identifiers: Orphanet 597738, MedGen C4085873, MONDO:0014791, OMIM 616831.

Submissions (3):

Ambry Genetics
Classification: Uncertain significance for Inborn genetic diseases. Last evaluated: 2026-03-25. Review status: criteria provided, single submitter. Criteria: Ambry Variant Classification Scheme 2023. Collection method: clinical testing. Allele origin: germline.
Comment: The c.3860A>C (p.Q1287P) alteration is located in exon 3 (coding exon 3) of the SETD2 gene. This alteration results from a A to C substitution at nucleotide position 3860, causing the glutamine (Q) at amino acid position 1287 to be replaced by a proline (P). This variant was not reported in population-based cohorts in the Genome Aggregation Database (gnomAD). This amino acid position is well conserved in available vertebrate species. The in silico prediction for this alteration is inconclusive. Based on insufficient or conflicting evidence, the clinical significance of this alteration remains unclear.

Genome-Nilou Lab
Classification: Uncertain significance for Luscan-Lumish syndrome. Last evaluated: 2022-03-15. Review status: criteria provided, single submitter. Criteria: ACMG Guidelines, 2015. Collection method: clinical testing. Allele origin: germline. Affected: no.

Labcorp Genetics (formerly Invitae), Labcorp
Classification: Uncertain significance for Luscan-Lumish syndrome. Last evaluated: 2019-06-04. Review status: criteria provided, single submitter. Criteria: Invitae Variant Classification Sherloc (09022015). Collection method: clinical testing. Allele origin: germline.
Comment: In summary, the available evidence is currently insufficient to determine the role of this variant in disease. Therefore, it has been classified as a Variant of Uncertain Significance. Algorithms developed to predict the effect of missense changes on protein structure and function are either unavailable or do not agree on the potential impact of this missense change (SIFT: "Tolerated"; PolyPhen-2: "Probably Damaging"; Align-GVGD: "Class C0"). This variant has not been reported in the literature in individuals with SETD2-related conditions. ClinVar contains an entry for this variant (Variation ID: 521605). This variant is not present in population databases (ExAC no frequency). This sequence change replaces glutamine with proline at codon 1287 of the SETD2 protein (p.Gln1287Pro). The glutamine residue is moderately conserved and there is a moderate physicochemical difference between glutamine and proline.